The following is an entry in ClinVar:

NM_001005242.3(PKP2):c.2368A>G (p.Asn790Asp)

Gene: PKP2 (plakophilin 2; minus strand). Cytogenetic location: 12p11.21.
Variant type: single nucleotide variant.
Coding change: c.2368A>G on transcript NM_001005242.3 (MANE Select); coding-DNA position 2368, A replaced by G.
Protein change: p.Asn790Asp; replaces asparagine 790 with aspartic acid.
Molecular consequence: missense variant. On other transcripts: synonymous variant (2).
Genome position (GRCh38, 1-based): chr12:32,792,721, T>C on the plus strand (A>G on the coding strand, the complement: PKP2 is on the minus strand). VCF-style: chr12-32792721-T-C. GRCh37 (hg19) VCF-style: chr12-32945655-T-C.
Other names: c.2178A>G, p.Pro726= (NM_001407155.1); c.2203A>G, p.Asn735Asp (NM_001407156.1); c.2041A>G, p.Asn681Asp (NM_001407158.1, NM_001407159.1); c.1851A>G, p.Pro617= (NM_001407160.1); c.2500A>G, p.Asn834Asp (NM_004572.4); short protein forms N790D, N681D, N735D, N834D.
Identifiers: ClinVar variation 2814766 (VCV002814766.3), dbSNP rs1956082119, ClinGen allele CA384357015.

ClinVar aggregate classification (germline): Uncertain significance (1 of 4 stars; one submission).

Conditions:
Arrhythmogenic right ventricular dysplasia 9 (ARVD9). Also called: ARRHYTHMOGENIC RIGHT VENTRICULAR DYSPLASIA, FAMILIAL, 9; Arrhythmogenic Right Ventricular Dysplasia/Cardiomyopathy 9. Identifiers: MedGen C1836906, MONDO:0012180, OMIM 609040.

Submission:

Labcorp Genetics (formerly Invitae), Labcorp
Classification: Uncertain significance for Arrhythmogenic right ventricular dysplasia 9. Last evaluated: 2022-11-16. Review status: criteria provided, single submitter. Criteria: Invitae Variant Classification Sherloc (09022015). Collection method: clinical testing. Allele origin: germline.
Comment: In summary, the available evidence is currently insufficient to determine the role of this variant in disease. Therefore, it has been classified as a Variant of Uncertain Significance. Algorithms developed to predict the effect of missense changes on protein structure and function (SIFT, PolyPhen-2, Align-GVGD) all suggest that this variant is likely to be tolerated. This variant has not been reported in the literature in individuals affected with PKP2-related conditions. This variant is not present in population databases (gnomAD no frequency). This sequence change replaces asparagine, which is neutral and polar, with aspartic acid, which is acidic and polar, at codon 834 of the PKP2 protein (p.Asn834Asp).